The following is an entry in ClinVar:

NM_005228.5(EGFR):c.3101T>A (p.Leu1034His)

Gene: EGFR (epidermal growth factor receptor; plus strand). Cytogenetic location: 7p11.2.
Variant type: single nucleotide variant.
Coding change: c.3101T>A on transcript NM_005228.5 (MANE Select); coding-DNA position 3101, T replaced by A.
Protein change: p.Leu1034His; replaces leucine 1034 with histidine.
Molecular consequence: missense variant.
Genome position (GRCh38, 1-based): chr7:55,201,342, T>A. VCF-style: chr7-55201342-T-A. GRCh37 (hg19) VCF-style: chr7-55269035-T-A.
Other names: c.2966T>A, p.Leu989His (NM_001346897.2, NM_001346899.2); c.3101T>A, p.Leu1034His (NM_001346898.2); c.2942T>A, p.Leu981His (NM_001346900.2); c.2300T>A, p.Leu767His (NM_001346941.2); short protein forms L981H, L1034H, L989H, L767H.
Identifiers: ClinVar variation 4640123 (VCV004640123.2).

ClinVar aggregate classification (germline): Uncertain significance (1 of 4 stars; one submission).

Conditions:
Hereditary cancer-predisposing syndrome. Also called: Neoplastic Syndromes, Hereditary; Tumor predisposition; Hereditary Cancer Syndrome; Hereditary neoplastic syndrome. Identifiers: Orphanet 140162, MedGen C0027672, MeSH D009386, MONDO:0015356.

Submission:

Ambry Genetics
Classification: Uncertain significance for Hereditary cancer-predisposing syndrome. Last evaluated: 2026-06-02. Review status: criteria provided, single submitter. Criteria: Ambry Variant Classification Scheme 2023. Collection method: clinical testing. Allele origin: germline.
Comment: The p.L1034H variant (also known as c.3101T>A), located in coding exon 25 of the EGFR gene, results from a T to A substitution at nucleotide position 3101. The leucine at codon 1034 is replaced by histidine, an amino acid with similar properties. This amino acid position is conserved. In addition, the in silico prediction for this alteration is inconclusive. Based on the available evidence, the clinical significance of this variant remains unclear.